The following is an entry in ClinVar:

ClinVar aggregate classification (germline): Likely pathogenic (0 of 4 stars; one submission).

Conditions:
TJP2-related disorder. Also called: TJP2-related condition.

Submission:

PreventionGenetics, part of Exact Sciences
Classification: Likely pathogenic for TJP2-related condition. Last evaluated: 2024-01-09. Review status: no assertion criteria provided. Collection method: clinical testing. Allele origin: germline.
Comment: The TJP2 c.559_565del7 variant is predicted to result in a frameshift and premature protein termination (p.Arg187Glyfs*122). To our knowledge, this variant has not been reported in the literature or in a large population database, indicating this variant is rare. Frameshift variants in TJP2 are expected to be pathogenic. This variant is interpreted as likely pathogenic.

NM_004817.4(TJP2):c.559_565del (p.Arg187fs)

Gene: TJP2 (tight junction protein 2; plus strand). Cytogenetic location: 9q21.11.
Variant type: Deletion.
Coding change: c.559_565del on transcript NM_004817.4 (MANE Select); coding-DNA positions 559 to 565, 7 bases deleted (CGGGAGC; older notation c.559_565delCGGGAGC).
Protein change: p.Arg187fs; shifts the reading frame from arginine 187.
Molecular consequence: frameshift variant.
Genome position (GRCh38, 1-based): chr9:69,221,103-69,221,109, CGGGAGC deleted; deleting any 7 consecutive bases within chr9:69,221,098-69,221,109 gives the same sequence; the c. name uses the placement nearest the transcript's 3' end. VCF-style (leftmost placement, unchanged base first): chr9-69221097-CGGAGCCG-C. GRCh37 (hg19) VCF-style: chr9-71836013-CGGAGCCG-C.
Other names: c.490_496del, p.Arg164fs (NM_001170414.2, NM_001369870.1, NM_001369871.1); c.571_577del, p.Arg191fs (NM_001170415.1, NM_001369874.1, NM_001369875.1); c.652_658del, p.Arg218fs (NM_001170416.2); c.559_565del, p.Arg187fs (NM_001369872.1, NM_001369873.1, NM_201629.3); short protein forms R164fs, R187fs, R191fs, R218fs.
Identifiers: ClinVar variation 3035957 (VCV003035957.2), dbSNP rs1178833797, ClinGen allele CA2740095489.
Genomic context (GRCh38, chr9:69,221,097, plus strand): 5'-GGGGGGCGCAGCCGCAGCTGGGAGGACAGCCCGGAAAGGGGGCGTCCCCATGAGCGGGCC[CGGAGCCG>C]GGAGCGGGACCTCAGCCGGGACCGGAGCCGTGGCCGGAGCCTGGAGCGGGGCCTGGACCA-3'